The following is an entry in ClinVar:

ClinVar aggregate classification (germline): Uncertain significance (1 of 4 stars; one submission).

Submission:

GeneDx
Classification: Uncertain significance. Last evaluated: 2026-03-31. Review status: criteria provided, single submitter. Criteria: GeneDx Variant Classification Process June 2021. Collection method: clinical testing. Allele origin: germline.
Comment: Published functional studies suggest this variant is able to confer NOG resistance, however additional studies are needed to validate the functional effect of this variant (PMID: 26643732); In silico analysis supports that this missense variant has a deleterious effect on protein structure/function; Not observed at significant frequency in large population cohorts (gnomAD); This variant is associated with the following publications: (PMID: 26643732)

NM_000557.5(GDF5):c.1468T>A (p.Tyr490Asn)

Genes: GDF5 (growth differentiation factor 5; minus strand), GDF5-AS1 (GDF5 antisense RNA 1; plus strand). Cytogenetic location: 20q11.22.
Variant type: single nucleotide variant.
Coding change: c.1468T>A on transcript NM_000557.5 (MANE Select); coding-DNA position 1468, T replaced by A.
Protein change: p.Tyr490Asn; replaces tyrosine 490 with asparagine.
Molecular consequence: missense variant. On other transcripts: non-coding transcript variant (1).
Genome position (GRCh38, 1-based): chr20:35,433,947, A>T on the plus strand (T>A on the coding strand, the complement: GDF5 is on the minus strand). VCF-style: chr20-35433947-A-T. GRCh37 (hg19) VCF-style: chr20-34021745-A-T.
Other names: c.1468T>A, p.Tyr490Asn (NM_001319138.2); short protein forms Y490N.
Identifiers: ClinVar variation 5017989 (VCV005017989.1).
Genomic context (GRCh38, chr20:35,433,947, plus strand): 5'-GGAAGACAGAGGGCCAGTGCTGCTACCTGCAGCCACACGACTCCACGACCATGTCCTCAT[A>T]CTGCTTATACACCACGTTGTTGGCAGAGTCAATGAAGAGGATGCTGATGGGACTCAGCCG-3'
Protein context (NP_000548.2, residues 480-500): DSANNVVYKQ[Tyr490Asn]EDMVVESCGC